The following is an entry in ClinVar:

ClinVar aggregate classification (germline): Uncertain significance (1 of 4 stars; one submission).

Conditions:
Congenital myasthenic syndrome 8. Also called: MYASTHENIC SYNDROME, CONGENITAL, DUE TO AGRIN DEFICIENCY; Myasthenic syndrome, congenital, 8, with pre- and postsynaptic defects. Identifiers: Orphanet 590, MedGen C3808739, MONDO:0014052, OMIM 615120.

Allele frequency attached by ClinVar (database versions not stated): gnomAD 0.00001; TOPMed 0.00001; ExAC 0.00007.
gnomAD v4.1: 33 of 1,542,020 alleles (0.0021%); highest among the groups gnomAD compares: South Asian, 0.015%; 1 homozygote.

Submission:

Labcorp Genetics (formerly Invitae), Labcorp
Classification: Uncertain significance for Congenital myasthenic syndrome 8. Last evaluated: 2023-07-07. Review status: criteria provided, single submitter. Criteria: Invitae Variant Classification Sherloc (09022015). Collection method: clinical testing. Allele origin: germline.
Comment: In summary, the available evidence is currently insufficient to determine the role of this variant in disease. Therefore, it has been classified as a Variant of Uncertain Significance. An algorithm developed to predict the effect of missense changes on protein structure and function (PolyPhen-2) suggests that this variant¬†is likely to be tolerated. ClinVar contains an entry for this variant (Variation ID: 1979588). This variant has not been reported in the literature in individuals affected with AGRN-related conditions. This variant is present in population databases (rs745929520, gnomAD 0.009%). This sequence change replaces phenylalanine, which is neutral and non-polar, with leucine, which is neutral and non-polar, at codon 313 of the AGRN protein (p.Phe313Leu).

NM_198576.4(AGRN):c.939C>G (p.Phe313Leu)

Gene: AGRN (agrin; plus strand). Cytogenetic location: 1p36.33.
Variant type: single nucleotide variant.
Coding change: c.939C>G on transcript NM_198576.4 (MANE Select); coding-DNA position 939, C replaced by G.
Protein change: p.Phe313Leu; replaces phenylalanine 313 with leucine.
Molecular consequence: missense variant.
Genome position (GRCh38, 1-based): chr1:1,041,384, C>G. VCF-style: chr1-1041384-C-G. GRCh37 (hg19) VCF-style: chr1-976764-C-G.
Other names: c.939C>G, p.Phe313Leu (NM_001305275.2); c.624C>G, p.Phe208Leu (NM_001364727.2); short protein forms F313L, F208L.
Identifiers: ClinVar variation 1979588 (VCV001979588.2), dbSNP rs745929520, ClinGen allele CA507940.